The following is an entry in ClinVar:

ClinVar aggregate classification (germline): Uncertain significance (1 of 4 stars; one submission).

Conditions:
Specific granule deficiency. Identifiers: Orphanet 169142, MedGen C0398593, MONDO:0009506.

Allele frequency attached by ClinVar (database versions not stated): gnomAD exomes below 0.00001 and 0.00001.

Submission:

Labcorp Genetics (formerly Invitae), Labcorp
Classification: Uncertain significance for Specific granule deficiency. Last evaluated: 2022-08-01. Review status: criteria provided, single submitter. Criteria: Invitae Variant Classification Sherloc (09022015). Collection method: clinical testing. Allele origin: germline.
Comment: In summary, the available evidence is currently insufficient to determine the role of this variant in disease. Therefore, it has been classified as a Variant of Uncertain Significance. Algorithms developed to predict the effect of missense changes on protein structure and function are either unavailable or do not agree on the potential impact of this missense change (SIFT: "Tolerated"; PolyPhen-2: "Probably Damaging"; Align-GVGD: "Class C0"). This sequence change replaces leucine, which is neutral and non-polar, with phenylalanine, which is neutral and non-polar, at codon 260 of the CEBPE protein (p.Leu260Phe). This variant is present in population databases (no rsID available, gnomAD 0.0009%). This variant has not been reported in the literature in individuals affected with CEBPE-related conditions. ClinVar contains an entry for this variant (Variation ID: 855048).

NM_001805.4(CEBPE):c.778C>T (p.Leu260Phe)

Gene: CEBPE (CCAAT enhancer binding protein epsilon; minus strand). Cytogenetic location: 14q11.2.
Variant type: single nucleotide variant.
Coding change: c.778C>T on transcript NM_001805.4 (MANE Select); coding-DNA position 778, C replaced by T.
Protein change: p.Leu260Phe; replaces leucine 260 with phenylalanine.
Molecular consequence: missense variant.
Genome position (GRCh38, 1-based): chr14:23,117,555, G>A on the plus strand (C>T on the coding strand, the complement: CEBPE is on the minus strand). VCF-style: chr14-23117555-G-A. GRCh37 (hg19) VCF-style: chr14-23586764-G-A.
Other names: short protein forms L260F.
Identifiers: ClinVar variation 855048 (VCV000855048.10), dbSNP rs1420638415, ClinGen allele CA388951606.